The following is an entry in ClinVar:

ClinVar aggregate classification (germline): Uncertain significance (1 of 4 stars; one submission).

Conditions:
Menkes kinky-hair syndrome (MNK). Also called: Copper transport disease; Menkes Disease; Classic Menkes Disease. Identifiers: Orphanet 565, MedGen C0022716, MONDO:0010651, OMIM 309400.
Cutis laxa, X-linked (OHS). Also called: EDS IX; Occipital horn syndrome. Identifiers: Orphanet 198, MedGen C0268353, MONDO:0010572, OMIM 304150.
X-linked distal spinal muscular atrophy type 3. Also called: ATP7A-Related Distal Motor Neuropathy; SPINAL MUSCULAR ATROPHY, DISTAL, X-LINKED RECESSIVE; NEURONOPATHY, DISTAL HEREDITARY MOTOR, X-LINKED; NEUROPATHY, DISTAL HEREDITARY MOTOR, X-LINKED. Identifiers: Orphanet 139557, MedGen C1845359, MONDO:0010338, OMIM 300489.

Submission:

Labcorp Genetics (formerly Invitae), Labcorp
Classification: Uncertain significance for X-linked distal spinal muscular atrophy type 3; Cutis laxa, X-linked; Menkes kinky-hair syndrome. Last evaluated: 2024-01-29. Review status: criteria provided, single submitter. Criteria: Invitae Variant Classification Sherloc (09022015). Collection method: clinical testing. Allele origin: germline.
Comment: This sequence change replaces methionine, which is neutral and non-polar, with isoleucine, which is neutral and non-polar, at codon 1034 of the ATP7A protein (p.Met1034Ile). This variant is not present in population databases (gnomAD no frequency). This variant has not been reported in the literature in individuals affected with ATP7A-related conditions. Advanced modeling of protein sequence and biophysical properties (such as structural, functional, and spatial information, amino acid conservation, physicochemical variation, residue mobility, and thermodynamic stability) performed at Invitae indicates that this missense variant is not expected to disrupt ATP7A protein function with a negative predictive value of 95%. In summary, the available evidence is currently insufficient to determine the role of this variant in disease. Therefore, it has been classified as a Variant of Uncertain Significance.

NM_000052.7(ATP7A):c.3102G>A (p.Met1034Ile)

Gene: ATP7A (ATPase copper transporting alpha; plus strand). Cytogenetic location: Xq21.1.
Variant type: single nucleotide variant.
Coding change: c.3102G>A on transcript NM_000052.7 (MANE Select); coding-DNA position 3102, G replaced by A.
Protein change: p.Met1034Ile; replaces methionine 1034 with isoleucine.
Molecular consequence: missense variant.
Genome position (GRCh38, 1-based): chrX:78,029,435, G>A. VCF-style: chrX-78029435-G-A. GRCh37 (hg19) VCF-style: chrX-77284932-G-A.
Other names: c.2868G>A, p.Met956Ile (NM_001282224.2); short protein forms M1034I, M956I.
Identifiers: ClinVar variation 2922541 (VCV002922541.3), dbSNP rs2522392697, ClinGen allele CA413603390.